The following is an entry in ClinVar:

ClinVar aggregate classification (germline): Pathogenic. Review status: reviewed by expert panel (3 of 4 stars). 5 submissions from 5 submitters: Pathogenic (1). 4 of the submissions do not count toward it. Last evaluated 2017-12-15.

Conditions:
Hereditary cancer-predisposing syndrome. Also called: Tumor predisposition; Hereditary Cancer Syndrome; Hereditary neoplastic syndrome; Neoplastic Syndromes, Hereditary. Identifiers: Orphanet 140162, MedGen C0027672, MeSH D009386, MONDO:0015356.
Breast-ovarian cancer, familial, susceptibility to, 2 (BROVCA2). Also called: BRCA2 Hereditary Breast and Ovarian Cancer. Identifiers: Orphanet 145, MedGen C2675520, MONDO:0012933, OMIM 612555. Disease mechanism: loss of function.
Hereditary breast ovarian cancer syndrome. Also called: Hereditary breast and ovarian cancer syndrome (HBOC); Breast and ovarian cancer; Hereditary breast and ovarian cancer; Hereditary breast and ovarian cancer syndrome; BRCA1- and BRCA2-Associated Hereditary Breast and Ovarian Cancer; Hereditary breast and/or ovarian cancer syndrome. Identifiers: Orphanet 145, MedGen C0677776, MeSH D061325, MONDO:0003582. Disease mechanism: loss of function.

Submissions (5):

Evidence-based Network for the Interpretation of Germline Mutant Alleles (ENIGMA)
Classification: Pathogenic for Breast-ovarian cancer, familial, susceptibility to, 2. Last evaluated: 2017-12-15. Review status: reviewed by expert panel. Criteria: ENIGMA BRCA1/2 Classification Criteria (2017-06-29). Collection method: curation. Allele origin: germline. Study: ENIGMA.
Comment: Variant allele predicted to encode a truncated non-functional protein.

Women's Health and Genetics/Laboratory Corporation of America, LabCorp
Classification: Pathogenic for Hereditary breast ovarian cancer syndrome. Last evaluated: 2026-02-02. Review status: criteria provided, single submitter. Criteria: LabCorp Variant Classification Summary - May 2015. Collection method: clinical testing. Allele origin: germline. Not counted in ClinVar's aggregate classification.
Comment: Variant summary: BRCA2 c.5201_5205delinsGAAAAG (p.Glu1734GlyfsX9) results in a premature termination codon, predicted to cause a truncation of the encoded protein or absence of the protein due to nonsense mediated decay, which are commonly known mechanisms for disease. The variant was absent in 273414 control chromosomes. To our knowledge, no occurrence of c.5201_5205delinsGAAAAG in individuals affected with BRCA2-related conditions and no experimental evidence demonstrating its impact on protein function have been reported. ClinVar contains an entry for this variant (Variation ID: 438988). Based on the evidence outlined above, the variant was classified as pathogenic.

Ambry Genetics
Classification: Pathogenic for Hereditary cancer-predisposing syndrome. Last evaluated: 2023-12-12. Review status: criteria provided, single submitter. Criteria: Ambry Variant Classification Scheme 2023. Collection method: clinical testing. Allele origin: germline. Not counted in ClinVar's aggregate classification.
Comment: The c.5201_5205delAAAAAinsGAAAAG pathogenic mutation, located in coding exon 10 of the BRCA2 gene, results from the deletion of 5 nucleotides and insertion of 6 nucleotides causing a translational frameshift with a predicted alternate stop codon (p.E1734Gfs*9). This alteration is expected to result in loss of function by premature protein truncation or nonsense-mediated mRNA decay. As such, this alteration is interpreted as a disease-causing mutation.

St. Jude Molecular Pathology, St. Jude Children's Research Hospital
Classification: Likely pathogenic for Hereditary breast ovarian cancer syndrome. Last evaluated: 2021-06-04. Review status: criteria provided, single submitter. Criteria: St. Jude Assertion Criteria 2020. Collection method: clinical testing. Allele origin: germline. Not counted in ClinVar's aggregate classification.
Comment: The BRCA2 c.5201_5205delinsGAAAAG (p.Glu1734Glyfs*9) change causes a frameshift and the creation of a premature stop codon. This change is predicted to cause protein truncation or absence of the protein due to nonsense mediated decay (PVS1). This variant is absent in gnomAD v2.1.1 (PM2_Supporting). It is also absent in the FLOSSIES database which contains genetic variants from women older than 70 years of age who have never had cancer. To our knowledge, this variant has not been reported in individuals affected with hereditary breast and ovarian cancer or Fanconi anemia. However, truncating variants downstream of the p.Glu1734fs change have been reported in individuals with breast and/or ovarian cancer and are known to be pathogenic. In summary, this variant meets criteria to be classified as likely pathogenic based on the ACMG/AMP criteria: PVS1, PM2_Supporting.

Quest Diagnostics Nichols Institute San Juan Capistrano
Classification: Pathogenic. Last evaluated: 2017-02-11. Review status: criteria provided, single submitter. Criteria: Quest Diagnostics criteria. Collection method: clinical testing. Allele origin: germline. Not counted in ClinVar's aggregate classification.

NM_000059.4(BRCA2):c.5201_5205delinsGAAAAG (p.Glu1734fs)

Gene: BRCA2 (BRCA2 DNA repair associated; plus strand). Cytogenetic location: 13q13.1.
Variant type: Indel.
Coding change: c.5201_5205delinsGAAAAG on transcript NM_000059.4 (MANE Select); coding-DNA positions 5201 to 5205, AAAAA replaced by GAAAAG.
Protein change: p.Glu1734fs; shifts the reading frame from glutamic acid 1734.
Molecular consequence: frameshift variant.
Genome position (GRCh38, 1-based): chr13:32,339,556-32,339,560, AAAAA replaced by GAAAAG. VCF-style: chr13-32339556-AAAAA-GAAAAG. GRCh37 (hg19) VCF-style: chr13-32913693-AAAAA-GAAAAG.
Other names: c.5201_5205delAAAAAinsGAAAAG, p.Glu1734Glyfs (NM_001406719.1, NM_001406720.1); short protein forms E1734fs.
Identifiers: ClinVar variation 438988 (VCV000438988.9), dbSNP rs483353082, ClinGen allele CA645509350.
Genomic context (GRCh38, chr13:32,339,556, plus strand): 5'-ATTTGTATGAAAATAATTCAAACAGTACTATAGCTGAAAATGACAAAAATCATCTCTCCG[AAAAA>GAAAAG]CAAGATACTTATTTAAGTAACAGTAGCATGTCTAACAGCTATTCCTACCATTCTGATGAG-3'